The following is an entry in ClinVar:

NM_000059.4(BRCA2):c.7853T>C (p.Ile2618Thr)

Gene: BRCA2 (BRCA2 DNA repair associated; plus strand). Cytogenetic location: 13q13.1.
Variant type: single nucleotide variant.
Coding change: c.7853T>C on transcript NM_000059.4 (MANE Select); coding-DNA position 7853, T replaced by C.
Protein change: p.Ile2618Thr; replaces isoleucine 2618 with threonine.
Molecular consequence: missense variant. On other transcripts: non-coding transcript variant (1).
Genome position (GRCh38, 1-based): chr13:32,362,570, T>C. VCF-style: chr13-32362570-T-C. GRCh37 (hg19) VCF-style: chr13-32936707-T-C.
Other names: c.7757T>C, p.Ile2586Thr (NM_001406719.1); c.7853T>C, p.Ile2618Thr (NM_001406720.1, NM_001432077.1); c.2921T>C, p.Ile974Thr (NM_001406721.1); c.1436T>C, p.Ile479Thr (NM_001406722.1); short protein forms I2586T, I2618T, I479T, I974T.
Identifiers: ClinVar variation 4802349 (VCV004802349.2).

ClinVar aggregate classification (germline): Conflicting classifications of pathogenicity. Review status: criteria provided, conflicting classifications (1 of 4 stars). 2 submissions from 2 submitters: Uncertain significance (1); Likely benign (1). Last evaluated 2026-08-19.

Conditions:
Hereditary breast ovarian cancer syndrome. Also called: Hereditary breast and ovarian cancer syndrome; Hereditary breast and ovarian cancer; Hereditary breast and ovarian cancer syndrome (HBOC); Breast and ovarian cancer; Hereditary breast and/or ovarian cancer syndrome; BRCA1- and BRCA2-Associated Hereditary Breast and Ovarian Cancer. Identifiers: Orphanet 145, MedGen C0677776, MeSH D061325, MONDO:0003582. Disease mechanism: loss of function.
Breast-ovarian cancer, familial, susceptibility to, 2 (BROVCA2). Also called: BRCA2 Hereditary Breast and Ovarian Cancer. Identifiers: Orphanet 145, MedGen C2675520, MONDO:0012933, OMIM 612555. Disease mechanism: loss of function.

gnomAD v4.1: 1 of 1,613,996 alleles (0.000062%); highest among the groups gnomAD compares: Non-Finnish European, 0.000085%; no homozygotes.

Submissions (2):

Myriad Genetics, Inc.
Classification: Likely benign for Breast-ovarian cancer, familial, susceptibility to, 2. Last evaluated: 2026-08-19. Review status: criteria provided, single submitter. Criteria: Myriad Autosomal Dominant, Autosomal Recessive and X-Linked Classification Criteria (2023). Collection method: clinical testing. Allele origin: unknown.
Comment: This variant is considered likely benign. This variant has been observed in trans with a known pathogenic variant in one or more individuals lacking clinical features consistent with gene-specific recessive disease.

Labcorp Genetics (formerly Invitae), Labcorp
Classification: Uncertain significance for Hereditary breast ovarian cancer syndrome. Last evaluated: 2025-02-14. Review status: criteria provided, single submitter. Criteria: Invitae Variant Classification Sherloc (09022015). Collection method: clinical testing. Allele origin: germline.
Comment: This sequence change replaces isoleucine, which is neutral and non-polar, with threonine, which is neutral and polar, at codon 2618 of the BRCA2 protein (p.Ile2618Thr). This variant is not present in population databases (gnomAD no frequency). This variant has not been reported in the literature in individuals affected with BRCA2-related conditions. Invitae Evidence Modeling of protein sequence and biophysical properties (such as structural, functional, and spatial information, amino acid conservation, physicochemical variation, residue mobility, and thermodynamic stability) indicates that this missense variant is not expected to disrupt BRCA2 protein function with a negative predictive value of 95%. In summary, the available evidence is currently insufficient to determine the role of this variant in disease. Therefore, it has been classified as a Variant of Uncertain Significance.